The following is an entry in ClinVar:

NM_003238.6(TGFB2):c.603C>T (p.Phe201=)

Gene: TGFB2 (transforming growth factor beta 2; plus strand). Cytogenetic location: 1q41.
Variant type: single nucleotide variant.
Coding change: c.603C>T on transcript NM_003238.6 (MANE Select); coding-DNA position 603, C replaced by T.
Protein change: p.Phe201=; no amino-acid change (phenylalanine 201 retained).
Molecular consequence: synonymous variant. On other transcripts: non-coding transcript variant (2).
Genome position (GRCh38, 1-based): chr1:218,434,174, C>T. VCF-style: chr1-218434174-C-T. GRCh37 (hg19) VCF-style: chr1-218607516-C-T.
Other names: c.687C>T, p.Phe229= (NM_001135599.4).
Identifiers: ClinVar variation 381047 (VCV000381047.15), dbSNP rs377264861, ClinGen allele CA1398549.
Genomic context (GRCh38, chr1:218,434,174, plus strand): 5'-CCAGCGCTACATCGACAGCAAAGTTGTGAAAACAAGAGCAGAAGGCGAATGGCTCTCCTT[C>T]GATGTAACTGATGCTGTTCATGAATGGCTTCACCATAAAGGTTACAAGCCACTCTCTCTT-3'
Protein context (NP_003229.1, residues 191-211): KTRAEGEWLS[Phe201=]DVTDAVHEWL

ClinVar aggregate classification (germline): Likely benign. Review status: criteria provided, multiple submitters, no conflicts (2 of 4 stars). 4 submissions from 4 submitters: Likely benign (4). Last evaluated 2025-07-06.

Conditions:
Loeys-Dietz syndrome 4 (LDS4). Also called: TGFB2-Related Loeys-Dietz Syndrome; ANEURYSM, AORTIC AND CEREBRAL, WITH ARTERIAL TORTUOSITY AND SKELETAL MANIFESTATIONS. Identifiers: MedGen C3553762, MONDO:0013897, OMIM 614816.
Familial thoracic aortic aneurysm and aortic dissection (TAAD). Also called: Thoracic aortic aneurysms and dissections. Identifiers: Orphanet 91387, MedGen C4707243, MONDO:0019625.

Allele frequency attached by ClinVar (database versions not stated): gnomAD exomes 0.00001 and 0.00002; gnomAD 0.00003 and 0.00004; TOPMed 0.00003; ExAC 0.00005; ESP Exome Variant Server 0.00008.
gnomAD v4.1: 22 of 1,614,062 alleles (0.0014%); highest among the groups gnomAD compares: African/African-American, 0.0053%; no homozygotes.

Submissions (4):

Labcorp Genetics (formerly Invitae), Labcorp
Classification: Likely benign for Loeys-Dietz syndrome 4. Last evaluated: 2025-07-06. Review status: criteria provided, single submitter. Criteria: Invitae Variant Classification Sherloc (09022015). Collection method: clinical testing. Allele origin: germline.

Women's Health and Genetics/Laboratory Corporation of America, LabCorp
Classification: Likely benign. Last evaluated: 2022-11-28. Review status: criteria provided, single submitter. Criteria: LabCorp Variant Classification Summary - May 2015. Collection method: clinical testing. Allele origin: germline.

Ambry Genetics
Classification: Likely benign for Familial thoracic aortic aneurysm and aortic dissection. Last evaluated: 2019-07-31. Review status: criteria provided, single submitter. Criteria: Ambry Variant Classification Scheme 2023. Collection method: clinical testing. Allele origin: germline.

GeneDx
Classification: Likely benign. Last evaluated: 2015-10-13. Review status: criteria provided, single submitter. Criteria: GeneDx Variant Classification (06012015). Collection method: clinical testing. Allele origin: germline. Affected: yes.
Comment: This variant is considered likely benign or benign based on one or more of the following criteria: it is a conservative change, it occurs at a poorly conserved position in the protein, it is predicted to be benign by multiple in silico algorithms, and/or has population frequency not consistent with disease.